The following is an entry in ClinVar:

NC_000015.10:g.84816958C>A

Gene: ALPK3 (alpha kinase 3; plus strand). Cytogenetic location: 15q25.3.
Variant type: single nucleotide variant.
Genome position: GRCh38 VCF-style: chr15-84816958-C-A. GRCh37 (hg19) VCF-style: chr15-85360189-C-A.
Other names: short protein forms L38I.
Identifiers: ClinVar variation 1727846 (VCV001727846.7), dbSNP rs1249818335, ClinGen allele CA393368162.
Genomic context (GRCh38, chr15:84,816,958, plus strand): 5'-CAAGGCGAGGGTCAGTCACGGCTGGTGCCAGGAAGAGGGCTGGTTCTTTGGCTCCCTGGT[C>A]TCCCGCGGTCTAGCCCAAGCTGGCCAGCGGTTGACCTGGCTCCCCTGGCCCCGGCCAGGC-3'

ClinVar aggregate classification (germline): Uncertain significance. Review status: criteria provided, multiple submitters, no conflicts (2 of 4 stars). 2 submissions from 2 submitters: Uncertain significance (2). Last evaluated 2025-05-17.

Conditions:
Cardiovascular phenotype. Identifiers: MedGen CN230736.

Allele frequency attached by ClinVar (database versions not stated): gnomAD exomes below 0.00001.

Submissions (2):

Ambry Genetics
Classification: Uncertain significance for Cardiovascular phenotype. Last evaluated: 2025-05-17. Review status: criteria provided, single submitter. Criteria: Ambry Variant Classification Scheme 2023. Collection method: clinical testing. Allele origin: germline.
Comment: The p.L38I variant (also known as c.112C>A), located in coding exon 1 of the ALPK3 gene, results from a C to A substitution at nucleotide position 112. The leucine at codon 38 is replaced by isoleucine, an amino acid with highly similar properties. This amino acid position is conserved. In addition, this alteration is predicted to be tolerated by in silico analysis. Since supporting evidence is limited at this time, the clinical significance of this alteration remains unclear.

Labcorp Genetics (formerly Invitae), Labcorp
Classification: Uncertain significance. Last evaluated: 2025-03-09. Review status: criteria provided, single submitter. Criteria: Invitae Variant Classification Sherloc (09022015). Collection method: clinical testing. Allele origin: germline.
Comment: This sequence change replaces leucine, which is neutral and non-polar, with isoleucine, which is neutral and non-polar, at codon 38 of the ALPK3 protein (p.Leu38Ile). This variant is present in population databases (no rsID available, gnomAD 0.006%). This variant has not been reported in the literature in individuals affected with ALPK3-related conditions. ClinVar contains an entry for this variant (Variation ID: 1727846). An algorithm developed to predict the effect of missense changes on protein structure and function (PolyPhen-2) suggests that this variant is likely to be tolerated. In summary, the available evidence is currently insufficient to determine the role of this variant in disease. Therefore, it has been classified as a Variant of Uncertain Significance.